The following is an entry in ClinVar:

NM_203447.4(DOCK8):c.626G>A (p.Arg209Gln)

Gene: DOCK8 (dedicator of cytokinesis 8; plus strand). Cytogenetic location: 9p24.3.
Variant type: single nucleotide variant.
Coding change: c.626G>A on transcript NM_203447.4 (MANE Select); coding-DNA position 626, G replaced by A.
Protein change: p.Arg209Gln; replaces arginine 209 with glutamine.
Molecular consequence: missense variant.
Genome position (GRCh38, 1-based): chr9:312,051, G>A. VCF-style: chr9-312051-G-A. GRCh37 (hg19) VCF-style: chr9-312051-G-A.
Other names: p.Arg209Gln; c.422G>A, p.Arg141Gln (NM_001190458.2, NM_001193536.2); short protein forms R209Q, R141Q.
Identifiers: ClinVar variation 366545 (VCV000366545.14), dbSNP rs151262535, ClinGen allele CA4957340.

ClinVar aggregate classification (germline): Uncertain significance. Review status: criteria provided, multiple submitters, no conflicts (2 of 4 stars). 5 submissions from 5 submitters: Uncertain significance (5). Last evaluated 2026-10-24.

Conditions:
Combined immunodeficiency due to DOCK8 deficiency (HIES2). Also called: HIES autosomal recessive; HYPER-IgE RECURRENT INFECTION SYNDROME 2, AUTOSOMAL RECESSIVE; DOCK8 Deficiency; Hyper-IgE recurrent infection syndrome, autosomal recessive; HYPER-IgE SYNDROME 2, AUTOSOMAL RECESSIVE, WITH RECURRENT INFECTIONS. Identifiers: Orphanet 217390, MedGen C4722305, MONDO:0009478, OMIM 243700.

Allele frequency attached by ClinVar (database versions not stated): ExAC 0.00012; TOPMed 0.00014; ESP Exome Variant Server 0.00023; 1000 Genomes Project 30x 0.00047; gnomAD exomes 0.00012 and 0.00007; gnomAD 0.00017; 1000 Genomes Project 0.00060.
gnomAD v4.1: 124 of 1,614,200 alleles (0.0077%); highest among the groups gnomAD compares: African/African-American, 0.057%; no homozygotes.

Submissions (5):

GeneDx
Classification: Uncertain significance. Last evaluated: 2026-10-24. Review status: criteria provided, single submitter. Criteria: GeneDx Variant Classification Process June 2021. Collection method: clinical testing. Allele origin: germline.
Comment: In silico analysis suggests that this missense variant does not alter protein structure/function; Has not been previously published as pathogenic or benign to our knowledge

Mayo Clinic Laboratories, Mayo Clinic
Classification: Uncertain significance. Last evaluated: 2025-10-13. Review status: criteria provided, single submitter. Criteria: ACMG Guidelines, 2015. Collection method: clinical testing. Allele origin: germline. Observed: 2 variant alleles.
Comment: BP4_moderate

Labcorp Genetics (formerly Invitae), Labcorp
Classification: Uncertain significance for Combined immunodeficiency due to DOCK8 deficiency. Last evaluated: 2024-12-24. Review status: criteria provided, single submitter. Criteria: Invitae Variant Classification Sherloc (09022015). Collection method: clinical testing. Allele origin: germline.
Comment: This sequence change replaces arginine, which is basic and polar, with glutamine, which is neutral and polar, at codon 209 of the DOCK8 protein (p.Arg209Gln). This variant is present in population databases (rs151262535, gnomAD 0.09%). This variant has not been reported in the literature in individuals affected with DOCK8-related conditions. ClinVar contains an entry for this variant (Variation ID: 366545). Invitae Evidence Modeling of protein sequence and biophysical properties (such as structural, functional, and spatial information, amino acid conservation, physicochemical variation, residue mobility, and thermodynamic stability) indicates that this missense variant is not expected to disrupt DOCK8 protein function with a negative predictive value of 80%. In summary, the available evidence is currently insufficient to determine the role of this variant in disease. Therefore, it has been classified as a Variant of Uncertain Significance.

Blueprint Genetics
Classification: Uncertain significance. Last evaluated: 2024-09-05. Review status: criteria provided, single submitter. Criteria: ACMG Guidelines, 2015. Collection method: clinical testing. Allele origin: germline.

Illumina Laboratory Services, Illumina
Classification: Uncertain significance for Combined immunodeficiency due to DOCK8 deficiency. Last evaluated: 2018-01-12. Review status: criteria provided, single submitter. Criteria: ICSL Variant Classification Criteria 13 December 2019. Collection method: clinical testing. Allele origin: germline.